The following is an entry in ClinVar:

NM_006767.4(LZTR1):c.746C>G (p.Ala249Gly)

Gene: LZTR1 (leucine zipper like post translational regulator 1; plus strand). Cytogenetic location: 22q11.21.
Variant type: single nucleotide variant.
Coding change: c.746C>G on transcript NM_006767.4 (MANE Select); coding-DNA position 746, C replaced by G.
Protein change: p.Ala249Gly; replaces alanine 249 with glycine.
Molecular consequence: missense variant.
Genome position (GRCh38, 1-based): chr22:20,990,480, C>G. VCF-style: chr22-20990480-C-G. GRCh37 (hg19) VCF-style: chr22-21344769-C-G.
Other names: short protein forms A249G.
Identifiers: ClinVar variation 3604909 (VCV003604909.2).

ClinVar aggregate classification (germline): Uncertain significance (1 of 4 stars; one submission).

Submission:

Labcorp Genetics (formerly Invitae), Labcorp
Classification: Uncertain significance. Last evaluated: 2024-06-30. Review status: criteria provided, single submitter. Criteria: Invitae Variant Classification Sherloc (09022015). Collection method: clinical testing. Allele origin: germline.
Comment: This sequence change replaces alanine, which is neutral and non-polar, with glycine, which is neutral and non-polar, at codon 249 of the LZTR1 protein (p.Ala249Gly). This variant is not present in population databases (gnomAD no frequency). This variant has not been reported in the literature in individuals affected with LZTR1-related conditions. Advanced modeling of protein sequence and biophysical properties (such as structural, functional, and spatial information, amino acid conservation, physicochemical variation, residue mobility, and thermodynamic stability) performed at Invitae indicates that this missense variant is not expected to disrupt LZTR1 protein function with a negative predictive value of 80%. In summary, the available evidence is currently insufficient to determine the role of this variant in disease. Therefore, it has been classified as a Variant of Uncertain Significance.